The following is an entry in ClinVar:

NM_020166.5(MCCC1):c.1663_1664dup (p.Lys556fs)

Gene: MCCC1 (methylcrotonyl-CoA carboxylase subunit 1; minus strand). Cytogenetic location: 3q27.1.
Variant type: Microsatellite.
Coding change: c.1663_1664dup on transcript NM_020166.5 (MANE Select); coding-DNA positions 1663 to 1664, 2 bases duplicated (CT; older notation c.1663_1664dupCT).
Protein change: p.Lys556fs; shifts the reading frame from lysine 556.
Molecular consequence: frameshift variant. On other transcripts: non-coding transcript variant (2).
Genome position (GRCh38, 1-based): chr3:183,034,008-183,034,009, AG duplicated on the plus strand (CT on the coding strand, the reverse complement: MCCC1 is on the minus strand); duplicating any 2 consecutive bases within chr3:183,034,008-183,034,011 gives the same sequence; the c. name uses the placement nearest the transcript's 3' end. VCF-style (leftmost placement, unchanged base first): chr3-183034007-A-AAG. GRCh37 (hg19) VCF-style: chr3-182751795-A-AAG.
Other names: c.1312_1313dup, p.Lys439fs (NM_001293273.2); c.1336_1337dup, p.Lys447fs (NM_001363880.1); short protein forms K439fs, K447fs, K556fs.
Identifiers: ClinVar variation 2676454 (VCV002676454.3), dbSNP rs2530101552, ClinGen allele CA2668714972.

ClinVar aggregate classification (germline): Pathogenic/Likely pathogenic. Review status: criteria provided, multiple submitters, no conflicts (2 of 4 stars). 2 submissions from 2 submitters: Pathogenic (1); Likely pathogenic (1). Last evaluated 2024-10-13.

Conditions:
3-methylcrotonyl-CoA carboxylase 1 deficiency (MCC1D). Also called: MCCD TYPE 1; METHYLCROTONYLGLYCINURIA TYPE I; MCC 1 deficiency; 3 Alpha methylcrotonylglycinuria 1. Identifiers: Orphanet 6, MedGen CN028786, MONDO:0008861, OMIM 210200.

Submissions (2):

Labcorp Genetics (formerly Invitae), Labcorp
Classification: Pathogenic for 3-methylcrotonyl-CoA carboxylase 1 deficiency. Last evaluated: 2024-10-13. Review status: criteria provided, single submitter. Criteria: Invitae Variant Classification Sherloc (09022015). Collection method: clinical testing. Allele origin: germline.
Comment: This sequence change creates a premature translational stop signal (p.Lys556Leufs*8) in the MCCC1 gene. It is expected to result in an absent or disrupted protein product. Loss-of-function variants in MCCC1 are known to be pathogenic (PMID: 11181649, 15359379, 22642865). This variant is not present in population databases (gnomAD no frequency). This variant has not been reported in the literature in individuals affected with MCCC1-related conditions. For these reasons, this variant has been classified as Pathogenic.

Baylor Genetics
Classification: Likely pathogenic for 3-methylcrotonyl-CoA carboxylase 1 deficiency. Last evaluated: 2023-07-13. Review status: criteria provided, single submitter. Criteria: ACMG Guidelines, 2015. Collection method: clinical testing. Allele origin: unknown.

Literature cited by the submitters: PubMed 11181649 (cited by Labcorp Genetics (formerly Invitae), Labcorp); PubMed 15359379 (cited by Labcorp Genetics (formerly Invitae), Labcorp); PubMed 22642865 (cited by Labcorp Genetics (formerly Invitae), Labcorp).